The following is an entry in ClinVar:

NM_018136.5(ASPM):c.7300A>G (p.Thr2434Ala)

Gene: ASPM (assembly factor for spindle microtubules; minus strand). Cytogenetic location: 1q31.3.
Variant type: single nucleotide variant.
Coding change: c.7300A>G on transcript NM_018136.5 (MANE Select); coding-DNA position 7300, A replaced by G.
Protein change: p.Thr2434Ala; replaces threonine 2434 with alanine.
Molecular consequence: missense variant. On other transcripts: intron variant (1).
Genome position (GRCh38, 1-based): chr1:197,101,951, T>C on the plus strand (A>G on the coding strand, the complement: ASPM is on the minus strand). VCF-style: chr1-197101951-T-C. GRCh37 (hg19) VCF-style: chr1-197071081-T-C.
Other names: c.4066-5787A>G (NM_001206846.2); c.7300A>G (NM_018136.4); short protein forms T2434A.
Identifiers: ClinVar variation 1397117 (VCV001397117.6), dbSNP rs768997704, ClinGen allele CA1309427.

ClinVar aggregate classification (germline): Conflicting classifications of pathogenicity. Review status: criteria provided, conflicting classifications (1 of 4 stars). 2 submissions from 2 submitters: Uncertain significance (1); Likely benign (1). Last evaluated 2024-06-13.

Conditions:
Inborn genetic diseases. Identifiers: MedGen C0950123, MeSH D030342.

Allele frequency attached by ClinVar (database versions not stated): gnomAD exomes 0.00001 and 0.00003; ExAC 0.00003; gnomAD 0.00010 and 0.00013; TOPMed 0.00011.
gnomAD v4.1: 27 of 1,612,642 alleles (0.0017%); highest among the groups gnomAD compares: African/African-American, 0.027%; no homozygotes.

Submissions (2):

Ambry Genetics
Classification: Likely benign for Inborn genetic diseases. Last evaluated: 2024-06-13. Review status: criteria provided, single submitter. Criteria: Ambry Variant Classification Scheme 2023. Collection method: clinical testing. Allele origin: germline.

Labcorp Genetics (formerly Invitae), Labcorp
Classification: Uncertain significance. Last evaluated: 2021-08-31. Review status: criteria provided, single submitter. Criteria: Invitae Variant Classification Sherloc (09022015). Collection method: clinical testing. Allele origin: germline.
Comment: This sequence change replaces threonine with alanine at codon 2434 of the ASPM protein (p.Thr2434Ala). The threonine residue is weakly conserved and there is a small physicochemical difference between threonine and alanine. This variant is present in population databases (rs768997704, ExAC 0.04%). This variant has not been reported in the literature in individuals affected with ASPM-related conditions. Algorithms developed to predict the effect of missense changes on protein structure and function output the following: SIFT: "Tolerated"; PolyPhen-2: "Benign"; Align-GVGD: "Class C0". The alanine amino acid residue is found in multiple mammalian species, which suggests that this missense change does not adversely affect protein function. In summary, the available evidence is currently insufficient to determine the role of this variant in disease. Therefore, it has been classified as a Variant of Uncertain Significance.